The following is an entry in ClinVar:

NM_001080517.3(SETD5):c.940A>G (p.Asn314Asp)

Gene: SETD5 (SET domain containing 5; plus strand). Cytogenetic location: 3p25.3.
Variant type: single nucleotide variant.
Coding change: c.940A>G on transcript NM_001080517.3 (MANE Select); coding-DNA position 940, A replaced by G.
Protein change: p.Asn314Asp; replaces asparagine 314 with aspartic acid.
Molecular consequence: missense variant.
Genome position (GRCh38, 1-based): chr3:9,441,722, A>G. VCF-style: chr3-9441722-A-G. GRCh37 (hg19) VCF-style: chr3-9483406-A-G.
Other names: c.646A>G, p.Asn216Asp (NM_001292043.2, NM_001349451.2); c.1036A>G, p.Asn346Asp (NM_001437633.1); c.997A>G, p.Asn333Asp (NM_001437635.1); c.940A>G, p.Asn314Asp (NM_001437643.1); c.979A>G, p.Asn327Asp (NM_001437701.1); short protein forms N216D, N327D, N314D, N333D, N346D.
Identifiers: ClinVar variation 4743248 (VCV004743248.1).

ClinVar aggregate classification (germline): Uncertain significance (1 of 4 stars; one submission).

gnomAD v4.1: 1 of 1,614,010 alleles (0.000062%); highest among the groups gnomAD compares: Non-Finnish European, 0.000085%; no homozygotes.

Submission:

Labcorp Genetics (formerly Invitae), Labcorp
Classification: Uncertain significance. Last evaluated: 2025-06-24. Review status: criteria provided, single submitter. Criteria: Invitae Variant Classification Sherloc (09022015). Collection method: clinical testing. Allele origin: germline.
Comment: This sequence change replaces asparagine, which is neutral and polar, with aspartic acid, which is acidic and polar, at codon 314 of the SETD5 protein (p.Asn314Asp). This variant is present in population databases (no rsID available, gnomAD 0.0009%). This variant has not been reported in the literature in individuals affected with SETD5-related conditions. Invitae Evidence Modeling of protein sequence and biophysical properties (such as structural, functional, and spatial information, amino acid conservation, physicochemical variation, residue mobility, and thermodynamic stability) has been performed for this missense variant. However, the output from this modeling did not meet the statistical confidence thresholds required to predict the impact of this variant on SETD5 protein function. In summary, the available evidence is currently insufficient to determine the role of this variant in disease. Therefore, it has been classified as a Variant of Uncertain Significance.